The following is an entry in ClinVar:

ClinVar aggregate classification (germline): Uncertain significance (1 of 4 stars; one submission).

Conditions:
Myofibrillar myopathy 5. Also called: Filaminopathy (type); FILAMINOPATHY, AUTOSOMAL DOMINANT. Identifiers: Orphanet 171445, MedGen C1836050, MONDO:0012289, OMIM 609524.
Hypertrophic cardiomyopathy 26. Also called: Cardiomyopathy, familial hypertrophic, 26. Identifiers: Orphanet 75249, MedGen C4310749, MONDO:0014883, OMIM 617047.
Distal myopathy with posterior leg and anterior hand involvement. Also called: WILLIAMS DISTAL MYOPATHY. Identifiers: Orphanet 63273, MedGen C3279722, MONDO:0013550, OMIM 614065.

Submission:

Labcorp Genetics (formerly Invitae), Labcorp
Classification: Uncertain significance for Distal myopathy with posterior leg and anterior hand involvement; Myofibrillar myopathy 5; Hypertrophic cardiomyopathy 26. Last evaluated: 2023-05-17. Review status: criteria provided, single submitter. Criteria: Invitae Variant Classification Sherloc (09022015). Collection method: clinical testing. Allele origin: germline.
Comment: In summary, the available evidence is currently insufficient to determine the role of this variant in disease. Therefore, it has been classified as a Variant of Uncertain Significance. Advanced modeling of protein sequence and biophysical properties (such as structural, functional, and spatial information, amino acid conservation, physicochemical variation, residue mobility, and thermodynamic stability) has been performed at Invitae for this missense variant, however the output from this modeling did not meet the statistical confidence thresholds required to predict the impact of this variant on FLNC protein function. This variant has not been reported in the literature in individuals affected with FLNC-related conditions. This variant is not present in population databases (gnomAD no frequency). This sequence change replaces lysine, which is basic and polar, with methionine, which is neutral and non-polar, at codon 510 of the FLNC protein (p.Lys510Met).

NM_001458.5(FLNC):c.1529A>T (p.Lys510Met)

Gene: FLNC (filamin C; plus strand). Cytogenetic location: 7q32.1.
Variant type: single nucleotide variant.
Coding change: c.1529A>T on transcript NM_001458.5 (MANE Select); coding-DNA position 1529, A replaced by T.
Protein change: p.Lys510Met; replaces lysine 510 with methionine.
Molecular consequence: missense variant.
Genome position (GRCh38, 1-based): chr7:128,840,140, A>T. VCF-style: chr7-128840140-A-T. GRCh37 (hg19) VCF-style: chr7-128480194-A-T.
Other names: c.1529A>T, p.Lys510Met (NM_001127487.2); short protein forms K510M.
Identifiers: ClinVar variation 2925739 (VCV002925739.3), dbSNP rs1299895117, ClinGen allele CA369225845.